The following is an entry in ClinVar:

ClinVar aggregate classification (germline): Uncertain significance. Review status: criteria provided, multiple submitters, no conflicts (2 of 4 stars). 4 submissions from 4 submitters: Uncertain significance (4). Last evaluated 2021-10-03.

Conditions:
Jeune thoracic dystrophy. Also called: Jeune syndrome; Infantile thoracic dystrophy; Thoracic pelvic phalangeal dystrophy; Jeune's syndrome; Chondroectodermal dysplasia-like syndrome; Short-rib thoracic dysplasia. Identifiers: Orphanet 474, MedGen C0265275, MONDO:0018770.
Asphyxiating thoracic dystrophy 3. Also called: POLYDACTYLY WITH NEONATAL CHONDRODYSTROPHY, TYPE I; Short rib polydactyly syndrome 2B; Saldino-Noonan Syndrome; SHORT-RIB THORACIC DYSPLASIA 3/6 WITH POLYDACTYLY, DIGENIC; SHORT-RIB THORACIC DYSPLASIA 3 WITH OR WITHOUT POLYDACTYLY. Identifiers: Orphanet 474, Orphanet 93269, Orphanet 93270, Orphanet 93271, MedGen C0036069, MONDO:0013127, OMIM 613091.

Allele frequency attached by ClinVar (database versions not stated): gnomAD 0.00001; gnomAD exomes 0.00001.
gnomAD v4.1: 9 of 1,613,552 alleles (0.00056%); highest among the groups gnomAD compares: Middle Eastern, 0.083%; no homozygotes.

Submissions (4):

Labcorp Genetics (formerly Invitae), Labcorp
Classification: Uncertain significance for Jeune thoracic dystrophy. Last evaluated: 2021-10-03. Review status: criteria provided, single submitter. Criteria: Invitae Variant Classification Sherloc (09022015). Collection method: clinical testing. Allele origin: germline.
Comment: This sequence change replaces aspartic acid with histidine at codon 4263 of the DYNC2H1 protein (p.Asp4263His). The aspartic acid residue is weakly conserved and there is a moderate physicochemical difference between aspartic acid and histidine. This variant is not present in population databases (ExAC no frequency). This variant has not been reported in the literature in individuals affected with DYNC2H1-related conditions. ClinVar contains an entry for this variant (Variation ID: 501230). Algorithms developed to predict the effect of missense changes on protein structure and function (SIFT, PolyPhen-2, Align-GVGD) all suggest that this variant is likely to be tolerated. Algorithms developed to predict the effect of sequence changes on RNA splicing suggest that this variant may disrupt the consensus splice site. In summary, the available evidence is currently insufficient to determine the role of this variant in disease. Therefore, it has been classified as a Variant of Uncertain Significance.

Blueprint Genetics
Classification: Uncertain significance. Last evaluated: 2020-08-28. Review status: criteria provided, single submitter. Criteria: ACMG Guidelines, 2015. Collection method: clinical testing. Allele origin: germline.

Illumina Laboratory Services, Illumina
Classification: Uncertain significance for Asphyxiating thoracic dystrophy 3. Last evaluated: 2018-01-13. Review status: criteria provided, single submitter. Criteria: ICSL Variant Classification Criteria 13 December 2019. Collection method: clinical testing. Allele origin: germline.

Eurofins Ntd Llc (ga)
Classification: Uncertain significance. Last evaluated: 2017-04-18. Review status: criteria provided, single submitter. Criteria: EGL Classification Definitions 2015. Collection method: clinical testing. Allele origin: germline. Observed: 1 variant allele, 1 heterozygote.

NM_001377.3(DYNC2H1):c.12766G>C (p.Asp4256His)

Gene: DYNC2H1 (dynein cytoplasmic 2 heavy chain 1; plus strand). Cytogenetic location: 11q22.3.
Variant type: single nucleotide variant.
Coding change: c.12766G>C on transcript NM_001377.3 (MANE Select); coding-DNA position 12766, G replaced by C.
Protein change: p.Asp4256His; replaces aspartic acid 4256 with histidine.
Molecular consequence: missense variant.
Genome position (GRCh38, 1-based): chr11:103,479,095, G>C. VCF-style: chr11-103479095-G-C. GRCh37 (hg19) VCF-style: chr11-103349823-G-C.
Other names: c.12787G>C, p.Asp4263His (NM_001080463.2); short protein forms D4263H, D4256H.
Identifiers: ClinVar variation 501230 (VCV000501230.12), dbSNP rs772516163, ClinGen allele CA227471795.